The following is an entry in ClinVar:

ClinVar aggregate classification (germline): Uncertain significance (1 of 4 stars; one submission).

Conditions:
Oculofaciocardiodental syndrome (MCOPS2). Identifiers: Orphanet 2712, MedGen C1846265, MONDO:0010261, OMIM 300166.

Submission:

3billion
Classification: Uncertain significance for Oculofaciocardiodental syndrome. Last evaluated: 2024-12-09. Review status: criteria provided, single submitter. Criteria: ACMG Guidelines, 2015. Collection method: clinical testing. Allele origin: germline. Affected: yes.
Comment: The variant is not observed in the gnomAD v4.1.0 dataset. Predicted Consequence/Location: Synonymous variant In silico tools predict the variant to alter splicing and produce an abnormal transcript [SpliceAI: 0.99 (>=0.2, moderate evidence for spliceogenicity)]. Therefore, this variant is classified as VUS according to the recommendation of ACMG/AMP guideline.

NM_001123385.2(BCOR):c.4170C>T (p.Gly1390=)

Gene: BCOR (BCL6 corepressor; minus strand). Cytogenetic location: Xp11.4.
Variant type: single nucleotide variant.
Coding change: c.4170C>T on transcript NM_001123385.2 (MANE Select); coding-DNA position 4170, C replaced by T.
Protein change: p.Gly1390=; no amino-acid change (glycine 1390 retained).
Molecular consequence: synonymous variant.
Genome position (GRCh38, 1-based): chrX:40,062,749, G>A on the plus strand (C>T on the coding strand, the complement: BCOR is on the minus strand). VCF-style: chrX-40062749-G-A. GRCh37 (hg19) VCF-style: chrX-39922002-G-A.
Other names: c.4068C>T, p.Gly1356= (NM_001123383.2, NM_001438208.1, NM_017745.6); c.4014C>T, p.Gly1338= (NM_001123384.2); c.4170C>T, p.Gly1390= (NM_001437510.1, NM_001437511.1); c.4116C>T, p.Gly1372= (NM_001438207.1).
Identifiers: ClinVar variation 4293860 (VCV004293860.1).